The following is an entry in ClinVar:

ClinVar aggregate classification (germline): Uncertain significance (1 of 4 stars; one submission).

Allele frequency attached by ClinVar (database versions not stated): TOPMed 0.00003; gnomAD 0.00002; gnomAD exomes below 0.00001.
gnomAD v4.1: 8 of 1,231,398 alleles (0.00065%); highest among the groups gnomAD compares: African/African-American, 0.0016%; no homozygotes.

Submission:

Labcorp Genetics (formerly Invitae), Labcorp
Classification: Uncertain significance. Last evaluated: 2025-10-29. Review status: criteria provided, single submitter. Criteria: Invitae Variant Classification Sherloc (09022015). Collection method: clinical testing. Allele origin: germline.
Comment: This sequence change replaces serine, which is neutral and polar, with proline, which is neutral and non-polar, at codon 131 of the IRF2BP2 protein (p.Ser131Pro). This variant is not present in population databases (gnomAD no frequency). This variant has not been reported in the literature in individuals affected with IRF2BP2-related conditions. ClinVar contains an entry for this variant (Variation ID: 2962374). An algorithm developed to predict the effect of missense changes on protein structure and function (PolyPhen-2) suggests that this variant is likely to be disruptive. In summary, the available evidence is currently insufficient to determine the role of this variant in disease. Therefore, it has been classified as a Variant of Uncertain Significance.

NM_182972.3(IRF2BP2):c.391T>C (p.Ser131Pro)

Genes: IRF2BP2 (interferon regulatory factor 2 binding protein 2; minus strand), LOC129932812 (ATAC-STARR-seq lymphoblastoid silent region 1977; plus strand). Cytogenetic location: 1q42.3.
Variant type: single nucleotide variant.
Coding change: c.391T>C on transcript NM_182972.3 (MANE Select); coding-DNA position 391, T replaced by C.
Protein change: p.Ser131Pro; replaces serine 131 with proline.
Molecular consequence: missense variant.
Genome position (GRCh38, 1-based): chr1:234,609,104, A>G on the plus strand (T>C on the coding strand, the complement: IRF2BP2 is on the minus strand). VCF-style: chr1-234609104-A-G. GRCh37 (hg19) VCF-style: chr1-234744850-A-G.
Other names: c.391T>C, p.Ser131Pro (NM_001077397.1); short protein forms S131P.
Identifiers: ClinVar variation 2962374 (VCV002962374.3), dbSNP rs1271981097, ClinGen allele CA345310718.